The following is an entry in ClinVar:

ClinVar aggregate classification (germline): Conflicting classifications of pathogenicity. Review status: criteria provided, conflicting classifications (1 of 4 stars). 5 submissions from 4 submitters: Uncertain significance (4); Likely benign (1). Last evaluated 2025-05-18.

Conditions:
Cardiovascular phenotype. Identifiers: MedGen CN230736.
RASopathy. Also called: Noonan spectrum disorder; rasopathies. Identifiers: Orphanet 536391, MedGen C5555857, MONDO:0021060.
Fibromatosis, gingival, 1 (GINGF1). Identifiers: Orphanet 2024, MedGen C4551558, MONDO:0007609, OMIM 135300.
Noonan syndrome 4 (NS4). Also called: NOONAN SYNDROME WITH PIGMENTED VILLONODULAR SYNOVITIS; SOS1-Related Noonan Syndrome. Identifiers: Orphanet 648, MedGen C1853120, MONDO:0012547, OMIM 610733.

Allele frequency attached by ClinVar (database versions not stated): gnomAD exomes below 0.00001 and 0.00001; ExAC 0.00001.
gnomAD v4.1: 2 of 1,544,708 alleles (0.00013%); highest among the groups gnomAD compares: South Asian, 0.0011%; no homozygotes.

Submissions (5):

Labcorp Genetics (formerly Invitae), Labcorp
Classification: Likely benign for RASopathy. Last evaluated: 2025-05-18. Review status: criteria provided, single submitter. Criteria: Invitae Variant Classification Sherloc (09022015). Collection method: clinical testing. Allele origin: germline.

Ambry Genetics
Classification: Uncertain significance for Cardiovascular phenotype. Last evaluated: 2025-03-09. Review status: criteria provided, single submitter. Criteria: Ambry Variant Classification Scheme 2023. Collection method: clinical testing. Allele origin: germline.
Comment: The p.I644T variant (also known as c.1931T>C), located in coding exon 11 of the SOS1 gene, results from a T to C substitution at nucleotide position 1931. The isoleucine at codon 644 is replaced by threonine, an amino acid with similar properties. This amino acid position is conserved. In addition, this alteration is predicted to be tolerated by in silico analysis. Based on the available evidence, the clinical significance of this variant remains unclear.

Women's Health and Genetics/Laboratory Corporation of America, LabCorp
Classification: Uncertain significance. Last evaluated: 2020-06-15. Review status: criteria provided, single submitter. Criteria: LabCorp Variant Classification Summary - May 2015. Collection method: clinical testing. Allele origin: germline.
Comment: Variant summary: SOS1 c.1931T>C (p.Ile644Thr) results in a non-conservative amino acid change located in the Ras-like guanine nucleotide exchange factor, N-terminal domain (IPR000651) of the encoded protein sequence. Three of five in-silico tools predict a damaging effect of the variant on protein function. The variant allele was found at a frequency of 8e-06 in 250028 control chromosomes (gnomAD). The available data on variant occurrences in the general population are insufficient to allow any conclusion about variant significance. To our knowledge, no occurrence of c.1931T>C in individuals affected with Noonan Syndrome And Related Conditions and no experimental evidence demonstrating its impact on protein function have been reported. A ClinVar submitter (evaluation after 2014) cites the variant as uncertain significance. Based on the evidence outlined above, the variant was classified as uncertain significance.

Genome-Nilou Lab
Classification: Uncertain significance for Noonan syndrome 4. Review status: criteria provided, single submitter. Criteria: ACMG Guidelines, 2015. Collection method: clinical testing. Allele origin: germline.

Genome-Nilou Lab
Classification: Uncertain significance for Fibromatosis, gingival, 1. Review status: criteria provided, single submitter. Criteria: ACMG Guidelines, 2015. Collection method: clinical testing. Allele origin: germline.

NM_005633.4(SOS1):c.1931T>C (p.Ile644Thr)

Gene: SOS1 (SOS Ras/Rac guanine nucleotide exchange factor 1; minus strand). Cytogenetic location: 2p22.1.
Variant type: single nucleotide variant.
Coding change: c.1931T>C on transcript NM_005633.4 (MANE Select); coding-DNA position 1931, T replaced by C.
Protein change: p.Ile644Thr; replaces isoleucine 644 with threonine.
Molecular consequence: missense variant.
Genome position (GRCh38, 1-based): chr2:39,014,774, A>G on the plus strand (T>C on the coding strand, the complement: SOS1 is on the minus strand). VCF-style: chr2-39014774-A-G. GRCh37 (hg19) VCF-style: chr2-39241915-A-G.
Other names: c.1910T>C, p.Ile637Thr (NM_001382394.1); c.1931T>C, p.Ile644Thr (NM_001382395.1); short protein forms I644T, I637T.
Identifiers: ClinVar variation 411869 (VCV000411869.11), dbSNP rs769891933, ClinGen allele CA1624516.
Genomic context (GRCh38, chr2:39,014,774, plus strand): 5'-CTCTTTTTTAACAAAAAATAATGAATTTAAATATTTTTTAAATGGACAGACCTTTCTATT[A>G]TAAGACTCAGTAGTTCTTGAGGTTTGCAAAAGGATCTGTATGTTGTAAGAAATGTCCGAA-3'
Protein context (NP_005624.2, residues 634-654): FCKPQELLSL[Ile644Thr]IERFEIPEPE